The following is an entry in ClinVar:

NM_001079866.2(BCS1L):c.103G>C (p.Gly35Arg)

Gene: BCS1L (BCS1 ubiquinol-cytochrome c reductase complex chaperone; plus strand). Cytogenetic location: 2q35.
Variant type: single nucleotide variant.
Coding change: c.103G>C on transcript NM_001079866.2 (MANE Select); coding-DNA position 103, G replaced by C.
Protein change: p.Gly35Arg; replaces glycine 35 with arginine.
Molecular consequence: missense variant. On other transcripts: 5 prime UTR variant (5), non-coding transcript variant (1), intron variant (3).
Genome position (GRCh38, 1-based): chr2:218,661,090, G>C. VCF-style: chr2-218661090-G-C. GRCh37 (hg19) VCF-style: chr2-219525813-G-C.
Other names: c.103G>C, p.Gly35Arg (NM_001257342.2, NM_001257343.2, NM_001257344.2 and 10 more transcripts); c.-374G>C (NM_001371453.1, NM_001371454.1, NM_001371455.1 and 2 more transcripts); c.-40-316G>C (NM_001371451.1, NM_001318836.2); c.-41-669G>C (NM_001371452.1); short protein forms G35R.
Identifiers: ClinVar variation 6172 (VCV000006172.2), dbSNP rs121908579, ClinGen allele CA118031.

ClinVar aggregate classification (germline): Pathogenic. Review status: criteria provided, single submitter (1 of 4 stars). 2 submissions from 2 submitters: Pathogenic (1). 1 of the submissions does not count toward it. Last evaluated 2025-09-02.

Conditions:
BJORNSTAD SYNDROME WITH MILD MITOCHONDRIAL COMPLEX III DEFICIENCY. Identifiers: MedGen C4016851.

Allele frequency attached by ClinVar (database versions not stated): gnomAD exomes below 0.00001.
gnomAD v4.1: 3 of 1,614,224 alleles (0.00019%); highest among the groups gnomAD compares: Non-Finnish European, 0.00025%; no homozygotes.

Submissions (2):

Labcorp Genetics (formerly Invitae), Labcorp
Classification: Pathogenic. Last evaluated: 2025-09-02. Review status: criteria provided, single submitter. Criteria: Invitae Variant Classification Sherloc (09022015). Collection method: clinical testing. Allele origin: germline.
Comment: This sequence change replaces glycine, which is neutral and non-polar, with arginine, which is basic and polar, at codon 35 of the BCS1L protein (p.Gly35Arg). This variant is not present in population databases (gnomAD no frequency). This missense change has been observed in individual(s) with BCS1L-related conditions (PMID: 17314340; internal data). In at least one individual the data is consistent with being in trans (on the opposite chromosome) from a pathogenic variant. ClinVar contains an entry for this variant (Variation ID: 6172). Invitae Evidence Modeling of protein sequence and biophysical properties (such as structural, functional, and spatial information, amino acid conservation, physicochemical variation, residue mobility, and thermodynamic stability) indicates that this missense variant is expected to disrupt BCS1L protein function with a positive predictive value of 95%. Experimental studies have shown that this missense change affects BCS1L function (PMID: 17314340). For these reasons, this variant has been classified as Pathogenic.

OMIM
Classification: Pathogenic for BJORNSTAD SYNDROME WITH MILD MITOCHONDRIAL COMPLEX III DEFICIENCY. Last evaluated: 2007-02-22. Review status: no assertion criteria provided. Collection method: literature only. Allele origin: germline. Not counted in ClinVar's aggregate classification.

Literature cited by the submitters: PubMed 17314340 (cited by Labcorp Genetics (formerly Invitae), Labcorp and OMIM).